The following is an entry in ClinVar:

ClinVar aggregate classification (germline): Uncertain significance (1 of 4 stars; one submission).

gnomAD v4.1: 3 of 1,613,946 alleles (0.00019%); highest among the groups gnomAD compares: Non-Finnish European, 0.00025%; no homozygotes.

Submission:

Ambry Genetics
Classification: Uncertain significance. Last evaluated: 2024-03-28. Review status: criteria provided, single submitter. Criteria: Ambry Variant Classification Scheme 2023. Collection method: clinical testing. Allele origin: germline.
Comment: The p.I364F variant (also known as c.1090A>T), located in coding exon 7 of the IDH1 gene, results from an A to T substitution at nucleotide position 1090. The isoleucine at codon 364 is replaced by phenylalanine, an amino acid with highly similar properties. This amino acid position is conserved. In addition, this alteration is predicted to be tolerated by in silico analysis. Since supporting evidence is limited at this time, the clinical significance of this alteration remains unclear.

NM_005896.4(IDH1):c.1090A>T (p.Ile364Phe)

Gene: IDH1 (isocitrate dehydrogenase (NADP(+)) 1; minus strand). Cytogenetic location: 2q34.
Variant type: single nucleotide variant.
Coding change: c.1090A>T on transcript NM_005896.4 (MANE Select); coding-DNA position 1090, A replaced by T.
Protein change: p.Ile364Phe; replaces isoleucine 364 with phenylalanine.
Molecular consequence: missense variant.
Genome position (GRCh38, 1-based): chr2:208,239,135, T>A on the plus strand (A>T on the coding strand, the complement: IDH1 is on the minus strand). VCF-style: chr2-208239135-T-A. GRCh37 (hg19) VCF-style: chr2-209103859-T-A.
Other names: c.1090A>T, p.Ile364Phe (NM_001282386.1, NM_001282387.1); short protein forms I364F.
Identifiers: ClinVar variation 1789164 (VCV001789164.2), dbSNP rs372711897, ClinGen allele CA350094290.